The following is an entry in ClinVar:

ClinVar aggregate classification (germline): Likely benign. Review status: criteria provided, multiple submitters, no conflicts (2 of 4 stars). 4 submissions from 4 submitters: Likely benign (3). 1 of the submissions does not count toward it. Last evaluated 2026-01-25.

Conditions:
COL4A3-related disorder. Also called: COL4A3-related condition; COL4A3-Related Disorders.
Autosomal dominant Alport syndrome (ATS3A). Also called: ALPORT SYNDROME 3A, AUTOSOMAL DOMINANT; Alport syndrome dominant type; Renal failure and sensorineural hearing loss. Identifiers: Orphanet 63, Orphanet 88918, MedGen C5882663, MONDO:0007086, OMIM 104200.
Autosomal recessive Alport syndrome (ATS2). Also called: COL4A4 Alport Syndrome and Thin Basement Membrane Nephropathy; ALPORT SYNDROME 2, AUTOSOMAL RECESSIVE; COL4A3-Related Nephropathy; Alport syndrome type 2. Identifiers: Orphanet 63, Orphanet 88919, MedGen C4746745, MONDO:0008762, OMIM 203780.
Benign familial hematuria. Also called: thin basement membrane disease. Identifiers: MedGen C0241908, MONDO:0957317.

Allele frequency attached by ClinVar (database versions not stated): ESP Exome Variant Server 0.00008; 1000 Genomes Project 0.00020; gnomAD 0.00016; TOPMed 0.00016; gnomAD exomes 0.00001 and 0.00003; ExAC 0.00009; 1000 Genomes Project 30x 0.00016.
gnomAD v4.1: 43 of 1,558,312 alleles (0.0028%); highest among the groups gnomAD compares: African/African-American, 0.049%; no homozygotes.

Submissions (4):

Labcorp Genetics (formerly Invitae), Labcorp
Classification: Likely benign. Last evaluated: 2026-01-25. Review status: criteria provided, single submitter. Criteria: Invitae Variant Classification Sherloc (09022015). Collection method: clinical testing. Allele origin: germline.

Fulgent Genetics
Classification: Likely benign for Autosomal dominant Alport syndrome; Hematuria, benign familial, 1; Autosomal recessive Alport syndrome. Last evaluated: 2021-09-16. Review status: criteria provided, single submitter. Criteria: ACMG Guidelines, 2015. Collection method: clinical testing. Allele origin: unknown.

GeneDx
Classification: Likely benign. Last evaluated: 2019-07-02. Review status: criteria provided, single submitter. Criteria: GeneDx Variant Classification Process June 2021. Collection method: clinical testing. Allele origin: germline. Affected: yes.

PreventionGenetics, part of Exact Sciences
Classification: Likely benign for COL4A3-related condition. Last evaluated: 2021-02-03. Review status: no assertion criteria provided. Collection method: clinical testing. Allele origin: germline. Not counted in ClinVar's aggregate classification.
Comment: This variant is classified as likely benign based on ACMG/AMP sequence variant interpretation guidelines (Richards et al. 2015 PMID: 25741868, with internal and published modifications).

NM_000091.5(COL4A3):c.2391T>C (p.Pro797=)

Genes: COL4A3 (collagen type IV alpha 3 chain; plus strand), MFF-DT (MFF divergent transcript; minus strand). Cytogenetic location: 2q36.3.
Variant type: single nucleotide variant.
Coding change: c.2391T>C on transcript NM_000091.5 (MANE Select); coding-DNA position 2391, T replaced by C.
Protein change: p.Pro797=; no amino-acid change (proline 797 retained).
Molecular consequence: synonymous variant.
Genome position (GRCh38, 1-based): chr2:227,280,909, T>C. VCF-style: chr2-227280909-T-C. GRCh37 (hg19) VCF-style: chr2-228145625-T-C.
Identifiers: ClinVar variation 755828 (VCV000755828.14), dbSNP rs187921460, ClinGen allele CA2146927.